The following is an entry in ClinVar:

ClinVar aggregate classification (germline): Uncertain significance (1 of 4 stars; one submission).

Submission:

Labcorp Genetics (formerly Invitae), Labcorp
Classification: Uncertain significance. Last evaluated: 2025-12-06. Review status: criteria provided, single submitter. Criteria: Invitae Variant Classification Sherloc (09022015). Collection method: clinical testing. Allele origin: germline.
Comment: This sequence change creates a premature translational stop signal (p.Pro314Argfs*62) in the RELB gene. It is expected to result in an absent or disrupted protein product. However, the current clinical and genetic evidence is not sufficient to establish whether loss-of-function variants in RELB cause disease. This variant is present in population databases (no rsID available, gnomAD 0.001%). This variant has not been reported in the literature in individuals affected with RELB-related conditions. ClinVar contains an entry for this variant (Variation ID: 2797227). In summary, the available evidence is currently insufficient to determine the role of this variant in disease. Therefore, it has been classified as a Variant of Uncertain Significance.

NM_006509.4(RELB):c.939del (p.Pro314fs)

Gene: RELB (RELB proto-oncogene, NF-kB subunit; plus strand). Cytogenetic location: 19q13.32.
Variant type: Deletion.
Coding change: c.939del on transcript NM_006509.4 (MANE Select); coding-DNA position 939, one base deleted (G; older notation c.939delG).
Protein change: p.Pro314fs; shifts the reading frame from proline 314.
Molecular consequence: frameshift variant.
Genome position (GRCh38, 1-based): chr19:45,028,940, G deleted; the last of 3 consecutive G bases (chr19:45,028,938-45,028,940); deleting any one gives the same sequence. VCF-style (leftmost placement, unchanged base first): chr19-45028937-CG-C. GRCh37 (hg19) VCF-style: chr19-45532195-CG-C.
Other names: c.930del, p.Pro311fs (NM_001411087.1); short protein forms P311fs, P314fs.
Identifiers: ClinVar variation 2797227 (VCV002797227.3), dbSNP rs1568403698, ClinGen allele CA633318939.